The following is an entry in ClinVar:

NM_000214.3(JAG1):c.2539C>A (p.Pro847Thr)

Gene: JAG1 (jagged canonical Notch ligand 1; minus strand). Cytogenetic location: 20p12.2.
Variant type: single nucleotide variant.
Coding change: c.2539C>A on transcript NM_000214.3 (MANE Select); coding-DNA position 2539, C replaced by A.
Protein change: p.Pro847Thr; replaces proline 847 with threonine.
Molecular consequence: missense variant.
Genome position (GRCh38, 1-based): chr20:10,642,521, G>T on the plus strand (C>A on the coding strand, the complement: JAG1 is on the minus strand). VCF-style: chr20-10642521-G-T. GRCh37 (hg19) VCF-style: chr20-10623169-G-T.
Other names: short protein forms P847T.
Identifiers: ClinVar variation 2755406 (VCV002755406.3), dbSNP rs2514510447, ClinGen allele CA408245533.

ClinVar aggregate classification (germline): Uncertain significance (1 of 4 stars; one submission).

Conditions:
Alagille syndrome due to a JAG1 point mutation. Also called: Alagille Syndrome 1; JAG1-Related Alagille Syndrome; HEPATIC DUCTULAR HYPOPLASIA, SYNDROMATIC. Identifiers: Orphanet 261619, Orphanet 52, MedGen C1956125, MONDO:0016862, OMIM 118450.

Submission:

Labcorp Genetics (formerly Invitae), Labcorp
Classification: Uncertain significance for Alagille syndrome due to a JAG1 point mutation. Last evaluated: 2023-08-27. Review status: criteria provided, single submitter. Criteria: Invitae Variant Classification Sherloc (09022015). Collection method: clinical testing. Allele origin: germline.
Comment: In summary, the available evidence is currently insufficient to determine the role of this variant in disease. Therefore, it has been classified as a Variant of Uncertain Significance. Advanced modeling of protein sequence and biophysical properties (such as structural, functional, and spatial information, amino acid conservation, physicochemical variation, residue mobility, and thermodynamic stability) performed at Invitae indicates that this missense variant is expected to disrupt JAG1 protein function. This variant has not been reported in the literature in individuals affected with JAG1-related conditions. This variant is not present in population databases (gnomAD no frequency). This sequence change replaces proline, which is neutral and non-polar, with threonine, which is neutral and polar, at codon 847 of the JAG1 protein (p.Pro847Thr).